The following is an entry in ClinVar:

NM_000246.4(CIITA):c.950C>T (p.Ser317Phe)

Gene: CIITA (class II major histocompatibility complex transactivator; plus strand). Cytogenetic location: 16p13.13.
Variant type: single nucleotide variant.
Coding change: c.950C>T on transcript NM_000246.4 (MANE Select); coding-DNA position 950, C replaced by T.
Protein change: p.Ser317Phe; replaces serine 317 with phenylalanine.
Molecular consequence: missense variant. On other transcripts: non-coding transcript variant (1).
Genome position (GRCh38, 1-based): chr16:10,904,756, C>T. VCF-style: chr16-10904756-C-T. GRCh37 (hg19) VCF-style: chr16-10998613-C-T.
Other names: c.953C>T, p.Ser318Phe (NM_001286402.1, NM_001379332.1); c.803C>T, p.Ser268Phe (NM_001286403.2, NM_001379331.1); c.806C>T, p.Ser269Phe (NM_001379330.1); c.950C>T, p.Ser317Phe (NM_001379333.1); c.881C>T, p.Ser294Phe (NM_001379334.1); short protein forms S294F, S318F, S268F, S317F, S269F.
Identifiers: ClinVar variation 2739905 (VCV002739905.2), dbSNP rs116253192, ClinGen allele CA394729459.

ClinVar aggregate classification (germline): Uncertain significance (1 of 4 stars; one submission).

Conditions:
MHC class II deficiency. Also called: Bare lymphocyte syndrome 2; BLS, TYPE II. Identifiers: Orphanet 572, MedGen C5447452, MONDO:0008855.

gnomAD v4.1: 2 of 1,614,014 alleles (0.00012%); highest among the groups gnomAD compares: Non-Finnish European, 0.00017%; no homozygotes.

Submission:

Labcorp Genetics (formerly Invitae), Labcorp
Classification: Uncertain significance for MHC class II deficiency. Last evaluated: 2024-02-20. Review status: criteria provided, single submitter. Criteria: Invitae Variant Classification Sherloc (09022015). Collection method: clinical testing. Allele origin: germline.
Comment: This sequence change replaces serine, which is neutral and polar, with phenylalanine, which is neutral and non-polar, at codon 317 of the CIITA protein (p.Ser317Phe). This variant is present in population databases (no rsID available, gnomAD 0.002%). This variant has not been reported in the literature in individuals affected with CIITA-related conditions. An algorithm developed to predict the effect of missense changes on protein structure and function (PolyPhen-2) suggests that this variant¬¨‚Ä†is likely to be tolerated. In summary, the available evidence is currently insufficient to determine the role of this variant in disease. Therefore, it has been classified as a Variant of Uncertain Significance.